The following is an entry in ClinVar:

ClinVar aggregate classification (germline): Conflicting classifications of pathogenicity. Review status: criteria provided, conflicting classifications (1 of 4 stars). 2 submissions from 2 submitters: Uncertain significance (1); Likely benign (1). Last evaluated 2026-04-27.

Conditions:
REST-related disorder. Also called: REST-related condition.

Allele frequency attached by ClinVar (database versions not stated): gnomAD 0.00001; gnomAD exomes 0.00004 and 0.00008; TOPMed 0.00004; ExAC 0.00009.
gnomAD v4.1: 24 of 1,611,174 alleles (0.0015%); highest among the groups gnomAD compares: Admixed American, 0.04%; no homozygotes.

Submissions (2):

PreventionGenetics, part of Exact Sciences
Classification: Likely benign for REST-related condition. Last evaluated: 2026-04-27. Review status: criteria provided, single submitter. Criteria: ACMG Guidelines, 2015. Collection method: clinical testing. Allele origin: germline.
Comment: This variant is classified as likely benign based on ACMG/AMP sequence variant interpretation guidelines (Richards et al. 2015 PMID: 25741868, with internal and published modifications).

Labcorp Genetics (formerly Invitae), Labcorp
Classification: Uncertain significance. Last evaluated: 2021-04-29. Review status: criteria provided, single submitter. Criteria: Invitae Variant Classification Sherloc (09022015). Collection method: clinical testing. Allele origin: germline.
Comment: This variant is present in population databases (rs758332878, ExAC 0.08%), and has an allele count higher than expected for a pathogenic variant (PMID: 28166811). In summary, the available evidence is currently insufficient to determine the role of this variant in disease. Therefore, it has been classified as a Variant of Uncertain Significance. Algorithms developed to predict the effect of missense changes on protein structure and function output the following: SIFT: "Tolerated"; PolyPhen-2: "Benign"; Align-GVGD: "Class C0". The arginine amino acid residue is found in multiple mammalian species, suggesting that this missense change does not adversely affect protein function. These predictions have not been confirmed by published functional studies and their clinical significance is uncertain. This variant has not been reported in the literature in individuals with REST-related conditions. This sequence change replaces lysine with arginine at codon 550 of the REST protein (p.Lys550Arg). The lysine residue is highly conserved and there is a small physicochemical difference between lysine and arginine.

Literature cited by the submitters: PubMed 28166811 (cited by Labcorp Genetics (formerly Invitae), Labcorp).

NM_005612.5(REST):c.1649A>G (p.Lys550Arg)

Gene: REST (RE1 silencing transcription factor; plus strand). Cytogenetic location: 4q12.
Variant type: single nucleotide variant.
Coding change: c.1649A>G on transcript NM_005612.5 (MANE Select); coding-DNA position 1649, A replaced by G.
Protein change: p.Lys550Arg; replaces lysine 550 with arginine.
Molecular consequence: missense variant.
Genome position (GRCh38, 1-based): chr4:56,930,507, A>G. VCF-style: chr4-56930507-A-G. GRCh37 (hg19) VCF-style: chr4-57796673-A-G.
Other names: c.1649A>G, p.Lys550Arg (NM_001193508.2, NM_001363453.3); c.1649A>G (NM_005612.4); short protein forms K550R.
Identifiers: ClinVar variation 1443922 (VCV001443922.9), dbSNP rs758332878, ClinGen allele CA2932299.